The following is an entry in ClinVar:

ClinVar aggregate classification (germline): Benign/Likely benign. Review status: criteria provided, multiple submitters, no conflicts (2 of 4 stars). 3 submissions from 3 submitters: Benign (1); Likely benign (1). 1 of the submissions does not count toward it. Last evaluated 2026-05-01.

Conditions:
PTPN23-related disorder. Also called: PTPN23-related condition.

Allele frequency attached by ClinVar (database versions not stated): gnomAD 0.00001 and 0.00035; gnomAD exomes 0.00066 and 0.00137; ExAC 0.00161; 1000 Genomes Project 30x 0.00265; 1000 Genomes Project 0.00280.
gnomAD v4.1: 1,006 of 1,613,706 alleles (0.062%); highest among the groups gnomAD compares: South Asian, 1.1%; 7 homozygotes.

Submissions (3):

CeGaT Center for Human Genetics Tuebingen
Classification: Likely benign. Last evaluated: 2026-05-01. Review status: criteria provided, single submitter. Criteria: CeGaT Center For Human Genetics Tuebingen Variant Classification Criteria Version 2. Collection method: clinical testing. Allele origin: germline. Affected: yes. Observed: 2 variant alleles.
Comment: PTPN23: BS1

Labcorp Genetics (formerly Invitae), Labcorp
Classification: Benign. Last evaluated: 2025-10-15. Review status: criteria provided, single submitter. Criteria: Invitae Variant Classification Sherloc (09022015). Collection method: clinical testing. Allele origin: germline.

PreventionGenetics, part of Exact Sciences
Classification: Benign for PTPN23-related condition. Last evaluated: 2019-08-09. Review status: no assertion criteria provided. Collection method: clinical testing. Allele origin: germline. Not counted in ClinVar's aggregate classification.
Comment: This variant is classified as benign based on ACMG/AMP sequence variant interpretation guidelines (Richards et al. 2015 PMID: 25741868, with internal and published modifications).

NM_015466.4(PTPN23):c.499G>A (p.Val167Ile)

Gene: PTPN23 (protein tyrosine phosphatase non-receptor type 23; plus strand). Cytogenetic location: 3p21.31.
Variant type: single nucleotide variant.
Coding change: c.499G>A on transcript NM_015466.4 (MANE Select); coding-DNA position 499, G replaced by A.
Protein change: p.Val167Ile; replaces valine 167 with isoleucine.
Molecular consequence: missense variant.
Genome position (GRCh38, 1-based): chr3:47,405,999, G>A. VCF-style: chr3-47405999-G-A. GRCh37 (hg19) VCF-style: chr3-47447489-G-A.
Other names: c.121G>A, p.Val41Ile (NM_001304482.2); c.499G>A (NM_015466.3); short protein forms V167I, V41I.
Identifiers: ClinVar variation 1529582 (VCV001529582.31), dbSNP rs377445101, ClinGen allele CA2365348.